The following is an entry in ClinVar:

NM_005422.4(TECTA):c.4705G>A (p.Val1569Met)

Genes: TBCEL-TECTA (TBCEL-TECTA readthrough; plus strand), TECTA (tectorin alpha; plus strand). Cytogenetic location: 11q23.3.
Variant type: single nucleotide variant.
Coding change: c.4705G>A on transcript NM_005422.4 (MANE Select); coding-DNA position 4705, G replaced by A.
Protein change: p.Val1569Met; replaces valine 1569 with methionine.
Molecular consequence: missense variant.
Genome position (GRCh38, 1-based): chr11:121,160,150, G>A. VCF-style: chr11-121160150-G-A. GRCh37 (hg19) VCF-style: chr11-121030859-G-A.
Other names: c.5662G>A, p.Val1888Met (NM_001378761.1); short protein forms V1569M, V1888M.
Identifiers: ClinVar variation 4767877 (VCV004767877.1).

ClinVar aggregate classification (germline): Uncertain significance (1 of 4 stars; one submission).

gnomAD v4.1: 1 of 1,614,214 alleles (0.000062%); highest among the groups gnomAD compares: South Asian, 0.0011%; no homozygotes.

Submission:

Labcorp Genetics (formerly Invitae), Labcorp
Classification: Uncertain significance. Last evaluated: 2025-04-12. Review status: criteria provided, single submitter. Criteria: Invitae Variant Classification Sherloc (09022015). Collection method: clinical testing. Allele origin: germline.
Comment: This sequence change replaces valine, which is neutral and non-polar, with methionine, which is neutral and non-polar, at codon 1569 of the TECTA protein (p.Val1569Met). This variant is present in population databases (no rsID available, gnomAD 0.003%). This variant has not been reported in the literature in individuals affected with TECTA-related conditions. Invitae Evidence Modeling of protein sequence and biophysical properties (such as structural, functional, and spatial information, amino acid conservation, physicochemical variation, residue mobility, and thermodynamic stability) indicates that this missense variant is not expected to disrupt TECTA protein function with a negative predictive value of 95%. In summary, the available evidence is currently insufficient to determine the role of this variant in disease. Therefore, it has been classified as a Variant of Uncertain Significance.